The following is an entry in ClinVar:

NM_032119.4(ADGRV1):c.18863T>C (p.Leu6288Ser)

Gene: ADGRV1 (adhesion G protein-coupled receptor V1; plus strand). Cytogenetic location: 5q14.3.
Variant type: single nucleotide variant.
Coding change: c.18863T>C on transcript NM_032119.4 (MANE Select); coding-DNA position 18863, T replaced by C.
Protein change: p.Leu6288Ser; replaces leucine 6288 with serine.
Molecular consequence: missense variant. On other transcripts: non-coding transcript variant (1).
Genome position (GRCh38, 1-based): chr5:91,163,842, T>C. VCF-style: chr5-91163842-T-C. GRCh37 (hg19) VCF-style: chr5-90459659-T-C.
Other names: short protein forms L6288S.
Identifiers: ClinVar variation 1318814 (VCV001318814.2), dbSNP rs2126977746, ClinGen allele CA360432961.

ClinVar aggregate classification (germline): Uncertain significance (1 of 4 stars; one submission).

Submission:

GeneDx
Classification: Uncertain significance. Last evaluated: 2021-06-01. Review status: criteria provided, single submitter. Criteria: GeneDx Variant Classification Process June 2021. Collection method: clinical testing. Allele origin: germline. Affected: yes.
Comment: Not observed at significant frequency in large population cohorts (Lek et al., 2016); In silico analysis supports that this missense variant does not alter protein structure/function; Has not been previously published as pathogenic or benign to our knowledge; This variant is associated with the following publications: (PMID: 27535533)